The following is an entry in ClinVar:

ClinVar aggregate classification (germline): Uncertain significance (1 of 4 stars; one submission).

Conditions:
Peutz-Jeghers syndrome (PJS). Also called: POLYPOSIS, HAMARTOMATOUS INTESTINAL; POLYPS-AND-SPOTS SYNDROME; Peutz-Jeghers polyposis; Periorificial lentiginosis syndrome. Identifiers: Orphanet 2869, MedGen C0031269, MeSH D010580, MONDO:0008280, OMIM 175200.

Submission:

Labcorp Genetics (formerly Invitae), Labcorp
Classification: Uncertain significance for Peutz-Jeghers syndrome. Last evaluated: 2025-06-24. Review status: criteria provided, single submitter. Criteria: Invitae Variant Classification Sherloc (09022015). Collection method: clinical testing. Allele origin: germline.
Comment: This sequence change replaces isoleucine, which is neutral and non-polar, with methionine, which is neutral and non-polar, at codon 29 of the STK11 protein (p.Ile29Met). This variant is not present in population databases (gnomAD no frequency). This variant has not been reported in the literature in individuals affected with STK11-related conditions. Invitae Evidence Modeling of protein sequence and biophysical properties (such as structural, functional, and spatial information, amino acid conservation, physicochemical variation, residue mobility, and thermodynamic stability) has been performed for this missense variant. However, the output from this modeling did not meet the statistical confidence thresholds required to predict the impact of this variant on STK11 protein function. In summary, the available evidence is currently insufficient to determine the role of this variant in disease. Therefore, it has been classified as a Variant of Uncertain Significance.

NM_000455.5(STK11):c.87C>G (p.Ile29Met)

Gene: STK11 (serine/threonine kinase 11; plus strand). Cytogenetic location: 19p13.3.
Variant type: single nucleotide variant.
Coding change: c.87C>G on transcript NM_000455.5 (MANE Select); coding-DNA position 87, C replaced by G.
Protein change: p.Ile29Met; replaces isoleucine 29 with methionine.
Molecular consequence: missense variant. On other transcripts: non-coding transcript variant (1).
Genome position (GRCh38, 1-based): chr19:1,207,000, C>G. VCF-style: chr19-1207000-C-G. GRCh37 (hg19) VCF-style: chr19-1206999-C-G.
Other names: c.87C>G, p.Ile29Met (NM_001407255.1); short protein forms I29M.
Identifiers: ClinVar variation 4750598 (VCV004750598.1).